The following is an entry in ClinVar:

ClinVar aggregate classification (germline): Benign/Likely benign. Review status: criteria provided, multiple submitters, no conflicts (2 of 4 stars). 4 submissions from 4 submitters: Benign (2); Likely benign (2). Last evaluated 2026-01-19.

Conditions:
Developmental and epileptic encephalopathy, 12 (DEE12). Identifiers: MedGen C3150988, MONDO:0013389, OMIM 613722.
Inborn genetic diseases. Identifiers: MedGen C0950123, MeSH D030342.

Allele frequency attached by ClinVar (database versions not stated): gnomAD 0.00001 and 0.00004; TOPMed 0.00002; gnomAD exomes 0.00007 and 0.00015; ExAC 0.00014; 1000 Genomes Project 30x 0.00031; 1000 Genomes Project 0.00040.
gnomAD v4.1: 107 of 1,613,672 alleles (0.0066%); highest among the groups gnomAD compares: South Asian, 0.097%; 2 homozygotes.

Submissions (4):

Labcorp Genetics (formerly Invitae), Labcorp
Classification: Benign for Developmental and epileptic encephalopathy, 12. Last evaluated: 2026-01-19. Review status: criteria provided, single submitter. Criteria: Invitae Variant Classification Sherloc (09022015). Collection method: clinical testing. Allele origin: germline.

Blueprint Genetics
Classification: Likely benign. Last evaluated: 2021-11-26. Review status: criteria provided, single submitter. Criteria: ACMG Guidelines, 2015. Collection method: clinical testing. Allele origin: germline.

Ambry Genetics
Classification: Likely benign for Inborn genetic diseases. Last evaluated: 2016-04-14. Review status: criteria provided, single submitter. Criteria: Ambry Variant Classification Scheme 2023. Collection method: clinical testing. Allele origin: germline.

GeneDx
Classification: Benign. Last evaluated: 2015-04-24. Review status: criteria provided, single submitter. Criteria: GeneDx Variant Classification (06012015). Collection method: clinical testing. Allele origin: germline. Affected: yes.
Comment: This variant is considered likely benign or benign based on one or more of the following criteria: it is a conservative change, it occurs at a poorly conserved position in the protein, it is predicted to be benign by multiple in silico algorithms, and/or has population frequency not consistent with disease.

NM_007254.4(PNKP):c.564C>T (p.Gly188=)

Gene: PNKP (polynucleotide kinase 3'-phosphatase; minus strand). Cytogenetic location: 19q13.33.
Variant type: single nucleotide variant.
Coding change: c.564C>T on transcript NM_007254.4 (MANE Select); coding-DNA position 564, C replaced by T.
Protein change: p.Gly188=; no amino-acid change (glycine 188 retained).
Molecular consequence: synonymous variant.
Genome position (GRCh38, 1-based): chr19:49,864,338, G>A on the plus strand (C>T on the coding strand, the complement: PNKP is on the minus strand). VCF-style: chr19-49864338-G-A. GRCh37 (hg19) VCF-style: chr19-50367595-G-A.
Identifiers: ClinVar variation 378394 (VCV000378394.15), dbSNP rs574408360, ClinGen allele CA9586905.